The following is an entry in ClinVar:

ClinVar aggregate classification (germline): Conflicting classifications of pathogenicity. Review status: criteria provided, conflicting classifications (1 of 4 stars). 2 submissions from 2 submitters: Uncertain significance (1); Likely benign (1). Last evaluated 2024-03-08.

Conditions:
Inborn genetic diseases. Identifiers: MedGen C0950123, MeSH D030342.
Epilepsy. Also called: Seizure disorder. Identifiers: MedGen C0014544, MeSH D004827, MONDO:0005027.

Allele frequency attached by ClinVar (database versions not stated): gnomAD 0.00001; TOPMed below 0.00001.

Submissions (2):

Ambry Genetics
Classification: Likely benign for Inborn genetic diseases. Last evaluated: 2024-03-08. Review status: criteria provided, single submitter. Criteria: Ambry Variant Classification Scheme 2023. Collection method: clinical testing. Allele origin: germline.

Labcorp Genetics (formerly Invitae), Labcorp
Classification: Uncertain significance for Epilepsy. Last evaluated: 2022-05-07. Review status: criteria provided, single submitter. Criteria: Invitae Variant Classification Sherloc (09022015). Collection method: clinical testing. Allele origin: germline.
Comment: This sequence change replaces lysine, which is basic and polar, with arginine, which is basic and polar, at codon 563 of the PIGQ protein (p.Lys563Arg). This variant is not present in population databases (gnomAD no frequency). This variant has not been reported in the literature in individuals affected with PIGQ-related conditions. ClinVar contains an entry for this variant (Variation ID: 858625). Algorithms developed to predict the effect of missense changes on protein structure and function (SIFT, PolyPhen-2, Align-GVGD) all suggest that this variant is likely to be tolerated. Algorithms developed to predict the effect of sequence changes on RNA splicing suggest that this variant may create or strengthen a splice site. In summary, the available evidence is currently insufficient to determine the role of this variant in disease. Therefore, it has been classified as a Variant of Uncertain Significance.

NM_004204.5(PIGQ):c.1688A>G (p.Lys563Arg)

Gene: PIGQ (phosphatidylinositol glycan anchor biosynthesis class Q; plus strand). Cytogenetic location: 16p13.3.
Variant type: single nucleotide variant.
Coding change: c.1688A>G on transcript NM_004204.5 (MANE Select); coding-DNA position 1688, A replaced by G.
Protein change: p.Lys563Arg; replaces lysine 563 with arginine.
Molecular consequence: missense variant. On other transcripts: synonymous variant (1).
Genome position (GRCh38, 1-based): chr16:582,977, A>G. VCF-style: chr16-582977-A-G. GRCh37 (hg19) VCF-style: chr16-632977-A-G.
Other names: c.1626A>G, p.Gln542= (NM_148920.4); c.1626A>G (NM_148920.1); short protein forms K563R.
Identifiers: ClinVar variation 858625 (VCV000858625.7), dbSNP rs1385011604, ClinGen allele CA394061913.